The following is an entry in ClinVar:

NM_025137.4(SPG11):c.7322T>C (p.Leu2441Pro)

Gene: SPG11 (SPG11 vesicle trafficking associated, spatacsin; minus strand). Cytogenetic location: 15q21.1.
Variant type: single nucleotide variant.
Coding change: c.7322T>C on transcript NM_025137.4 (MANE Select); coding-DNA position 7322, T replaced by C.
Protein change: p.Leu2441Pro; replaces leucine 2441 with proline.
Molecular consequence: missense variant.
Genome position (GRCh38, 1-based): chr15:44,563,131, A>G on the plus strand (T>C on the coding strand, the complement: SPG11 is on the minus strand). VCF-style: chr15-44563131-A-G. GRCh37 (hg19) VCF-style: chr15-44855329-A-G.
Other names: c.6983T>C, p.Leu2328Pro (NM_001160227.2); short protein forms L2441P, L2328P.
Identifiers: ClinVar variation 583286 (VCV000583286.6), dbSNP rs773503745, ClinGen allele CA7533822.

ClinVar aggregate classification (germline): Uncertain significance (1 of 4 stars; one submission).

Conditions:
Hereditary spastic paraplegia 11. Also called: Spastic paraplegia, mental retardation and thin corpus callosum; SPASTIC PARAPLEGIA, AUTOSOMAL RECESSIVE, COMPLICATED, WITH THIN CORPUS CALLOSUM; SPASTIC PARAPLEGIA, AUTOSOMAL RECESSIVE, WITH MENTAL IMPAIRMENT AND THIN CORPUS CALLOSUM; Spastic Paraplegia 11; Nakamura Osame syndrome; Autosomal recessive hereditary spastic paraplegia, mental impairment, and thin corpus callosum. Identifiers: Orphanet 2822, MedGen C1858479, MONDO:0011445, OMIM 604360.

Allele frequency attached by ClinVar (database versions not stated): TOPMed below 0.00001; gnomAD 0.00001; gnomAD exomes 0.00001; ExAC 0.00002.
gnomAD v4.1: 17 of 1,613,920 alleles (0.0011%); highest among the groups gnomAD compares: Admixed American, 0.0017%; no homozygotes.

Submission:

Labcorp Genetics (formerly Invitae), Labcorp
Classification: Uncertain significance for Hereditary spastic paraplegia 11. Last evaluated: 2021-08-31. Review status: criteria provided, single submitter. Criteria: Invitae Variant Classification Sherloc (09022015). Collection method: clinical testing. Allele origin: germline.
Comment: This sequence change replaces leucine with proline at codon 2441 of the SPG11 protein (p.Leu2441Pro). The leucine residue is moderately conserved and there is a moderate physicochemical difference between leucine and proline. This variant is present in population databases (rs773503745, ExAC 0.003%). This variant has not been reported in the literature in individuals affected with SPG11-related conditions. Algorithms developed to predict the effect of missense changes on protein structure and function are either unavailable or do not agree on the potential impact of this missense change (SIFT: "Tolerated"; PolyPhen-2: "Probably Damaging"; Align-GVGD: "Class C0"). In summary, the available evidence is currently insufficient to determine the role of this variant in disease. Therefore, it has been classified as a Variant of Uncertain Significance.